The following is an entry in ClinVar:

NM_015102.5(NPHP4):c.3723C>T (p.Val1241=)

Gene: NPHP4 (nephrocystin 4; minus strand). Cytogenetic location: 1p36.31.
Variant type: single nucleotide variant.
Coding change: c.3723C>T on transcript NM_015102.5 (MANE Select); coding-DNA position 3723, C replaced by T.
Protein change: p.Val1241=; no amino-acid change (valine 1241 retained).
Molecular consequence: synonymous variant. On other transcripts: non-coding transcript variant (1).
Genome position (GRCh38, 1-based): chr1:5,865,195, G>A on the plus strand (C>T on the coding strand, the complement: NPHP4 is on the minus strand). VCF-style: chr1-5865195-G-A. GRCh37 (hg19) VCF-style: chr1-5925255-G-A.
Other names: c.2184C>T, p.Val728= (NM_001291593.2); c.2187C>T, p.Val729= (NM_001291594.2); c.3723C>T (NM_015102.4).
Identifiers: ClinVar variation 297789 (VCV000297789.15), dbSNP rs375485412, ClinGen allele CA553489.

ClinVar aggregate classification (germline): Conflicting classifications of pathogenicity. Review status: criteria provided, conflicting classifications (1 of 4 stars). 4 submissions from 3 submitters: Uncertain significance (2); Likely benign (1). 1 of the submissions does not count toward it. Last evaluated 2025-05-27.

Conditions:
Nephronophthisis. Also called: Juvenile Nephronophthisis. Identifiers: Orphanet 655, MedGen C0687120, MONDO:0019005, HP:0000090.
Senior-Loken syndrome 4 (SLSN4). Identifiers: Orphanet 3156, MedGen C1846979, MONDO:0011756, OMIM 606996.
Nephronophthisis 4 (NPHP4). Also called: NEPHRONOPHTHISIS 4, JUVENILE. Identifiers: Orphanet 655, MedGen C1847013, MONDO:0011752, OMIM 606966.
NPHP4-related disorder. Also called: NPHP4-related disorders; NPHP4-related condition. Identifiers: MedGen CN239384.

Allele frequency attached by ClinVar (database versions not stated): gnomAD exomes 0.00001 and 0.00004; ExAC 0.00002; gnomAD 0.00002; TOPMed 0.00002; ESP Exome Variant Server 0.00008.
gnomAD v4.1: 65 of 1,611,356 alleles (0.004%); highest among the groups gnomAD compares: Non-Finnish European, 0.005%; 1 homozygote.

Submissions (4):

Labcorp Genetics (formerly Invitae), Labcorp
Classification: Likely benign for Nephronophthisis. Last evaluated: 2025-05-27. Review status: criteria provided, single submitter. Criteria: Invitae Variant Classification Sherloc (09022015). Collection method: clinical testing. Allele origin: germline.

Illumina Laboratory Services, Illumina
Classification: Uncertain significance for Nephronophthisis 4. Last evaluated: 2018-01-13. Review status: criteria provided, single submitter. Criteria: ICSL Variant Classification Criteria 13 December 2019. Collection method: clinical testing. Allele origin: germline.

Illumina Laboratory Services, Illumina
Classification: Uncertain significance for Senior-Loken syndrome 4. Last evaluated: 2018-01-13. Review status: criteria provided, single submitter. Criteria: ICSL Variant Classification Criteria 13 December 2019. Collection method: clinical testing. Allele origin: germline.

PreventionGenetics, part of Exact Sciences
Classification: Likely benign for NPHP4-related condition. Last evaluated: 2021-04-19. Review status: no assertion criteria provided. Collection method: clinical testing. Allele origin: germline. Not counted in ClinVar's aggregate classification.
Comment: This variant is classified as likely benign based on ACMG/AMP sequence variant interpretation guidelines (Richards et al. 2015 PMID: 25741868, with internal and published modifications).